The following is an entry in ClinVar:

ClinVar aggregate classification (germline): Uncertain significance. Review status: criteria provided, multiple submitters, no conflicts (2 of 4 stars). 2 submissions from 2 submitters: Uncertain significance (2). Last evaluated 2024-09-27.

Conditions:
Inborn genetic diseases. Identifiers: MedGen C0950123, MeSH D030342.

Allele frequency attached by ClinVar (database versions not stated): gnomAD exomes 0.00004; ExAC 0.00007; TOPMed 0.00014; ESP Exome Variant Server 0.00015; gnomAD 0.00015 and 0.00016.
gnomAD v4.1: 70 of 1,586,922 alleles (0.0044%); highest among the groups gnomAD compares: African/African-American, 0.039%; 1 homozygote.

Submissions (2):

Ambry Genetics
Classification: Uncertain significance for Inborn genetic diseases. Last evaluated: 2024-09-27. Review status: criteria provided, single submitter. Criteria: Ambry Variant Classification Scheme 2023. Collection method: clinical testing. Allele origin: germline.

Labcorp Genetics (formerly Invitae), Labcorp
Classification: Uncertain significance. Last evaluated: 2023-10-09. Review status: criteria provided, single submitter. Criteria: Invitae Variant Classification Sherloc (09022015). Collection method: clinical testing. Allele origin: germline.
Comment: This sequence change replaces arginine, which is basic and polar, with glutamine, which is neutral and polar, at codon 1494 of the HSPG2 protein (p.Arg1494Gln). This variant is present in population databases (rs146046826, gnomAD 0.04%). This variant has not been reported in the literature in individuals affected with HSPG2-related conditions. ClinVar contains an entry for this variant (Variation ID: 1409467). An algorithm developed to predict the effect of missense changes on protein structure and function (PolyPhen-2) suggests that this variant is likely to be disruptive. In summary, the available evidence is currently insufficient to determine the role of this variant in disease. Therefore, it has been classified as a Variant of Uncertain Significance.

NM_005529.7(HSPG2):c.4481G>A (p.Arg1494Gln)

Gene: HSPG2 (heparan sulfate proteoglycan 2; minus strand). Cytogenetic location: 1p36.12.
Variant type: single nucleotide variant.
Coding change: c.4481G>A on transcript NM_005529.7 (MANE Select); coding-DNA position 4481, G replaced by A.
Protein change: p.Arg1494Gln; replaces arginine 1494 with glutamine.
Molecular consequence: missense variant.
Genome position (GRCh38, 1-based): chr1:21,864,988, C>T on the plus strand (G>A on the coding strand, the complement: HSPG2 is on the minus strand). VCF-style: chr1-21864988-C-T. GRCh37 (hg19) VCF-style: chr1-22191481-C-T.
Other names: c.4484G>A, p.Arg1495Gln (NM_001291860.2); c.4481G>A (NM_005529.5); short protein forms R1495Q, R1494Q.
Identifiers: ClinVar variation 1409467 (VCV001409467.9), dbSNP rs146046826, ClinGen allele CA672263.